The following is an entry in ClinVar:

ClinVar aggregate classification (germline): Likely pathogenic (1 of 4 stars; one submission).

Conditions:
ALG1-congenital disorder of glycosylation. Also called: ALG1-CDG; CONGENITAL DISORDER OF GLYCOSYLATION, TYPE Ik; CDG Ik. Identifiers: Orphanet 79327, MedGen C2931005, MONDO:0012052, OMIM 608540.

Allele frequency attached by ClinVar (database versions not stated): gnomAD exomes below 0.00001.

Submission:

Labcorp Genetics (formerly Invitae), Labcorp
Classification: Likely pathogenic for ALG1-congenital disorder of glycosylation. Last evaluated: 2022-10-25. Review status: criteria provided, single submitter. Criteria: Invitae Variant Classification Sherloc (09022015). Collection method: clinical testing. Allele origin: germline.
Comment: This variant has not been reported in the literature in individuals affected with ALG1-related conditions. In summary, the currently available evidence indicates that the variant is pathogenic, but additional data are needed to prove that conclusively. Therefore, this variant has been classified as Likely Pathogenic. Algorithms developed to predict the effect of sequence changes on RNA splicing suggest that this variant may disrupt the consensus splice site. ClinVar contains an entry for this variant (Variation ID: 1472319). This variant is not present in population databases (gnomAD no frequency). This sequence change affects a donor splice site in intron 1 of the ALG1 gene. It is expected to disrupt RNA splicing. Variants that disrupt the donor or acceptor splice site typically lead to a loss of protein function (PMID: 16199547), and loss-of-function variants in ALG1 are known to be pathogenic (PMID: 20679665, 23806237).

Literature cited by the submitters: PubMed 16199547; PubMed 20679665; PubMed 23806237.

NM_019109.5(ALG1):c.208+1G>C

Genes: ALG1 (ALG1 chitobiosyldiphosphodolichol beta-mannosyltransferase; plus strand), LOC130058384 (ATAC-STARR-seq lymphoblastoid active region 10349; plus strand). Cytogenetic location: 16p13.3.
Variant type: single nucleotide variant.
Coding change: c.208+1G>C on transcript NM_019109.5 (MANE Select); the canonical splice donor site of the intron after coding-DNA position 208, G replaced by C.
Molecular consequence: splice donor variant.
Genome position (GRCh38, 1-based): chr16:5,072,058, G>C. VCF-style: chr16-5072058-G-C. GRCh37 (hg19) VCF-style: chr16-5122059-G-C.
Identifiers: ClinVar variation 1472319 (VCV001472319.8), dbSNP rs1313166263, ClinGen allele CA394678879.
Genomic context (GRCh38, chr16:5,072,058, plus strand): 5'-AGTACCACGCGCTGTCGTTGGCCATGCACGGCTTCTCGGTGACCCTCCTGGGGTTCTGCA[G>C]TGAGTGGCCAAGGGTCTGGGAGGGACGATGCTCTCTCAGCCGTTGATCCTCGGTTCTAAC-3'